The following is an entry in ClinVar:

ClinVar aggregate classification (germline): Uncertain significance. Review status: criteria provided, multiple submitters, no conflicts (2 of 4 stars). 2 submissions from 2 submitters: Uncertain significance (2). Last evaluated 2025-11-30.

Conditions:
Hereditary cancer-predisposing syndrome. Also called: Neoplastic Syndromes, Hereditary; Hereditary Cancer Syndrome; Hereditary neoplastic syndrome; Tumor predisposition. Identifiers: Orphanet 140162, MedGen C0027672, MeSH D009386, MONDO:0015356.
Familial adenomatous polyposis 1 (FAP1). Also called: FAMILIAL ADENOMATOUS POLYPOSIS 1, ATTENUATED; POLYPOSIS, ADENOMATOUS INTESTINAL. Identifiers: MedGen C2713442, MONDO:0021056, OMIM 175100. Disease mechanism: loss of function.

Submissions (2):

Ambry Genetics
Classification: Uncertain significance for Hereditary cancer-predisposing syndrome. Last evaluated: 2025-11-30. Review status: criteria provided, single submitter. Criteria: Ambry Variant Classification Scheme 2023. Collection method: clinical testing. Allele origin: germline.
Comment: The p.S1758F variant (also known as c.5273C>T), located in coding exon 15 of the APC gene, results from a C to T substitution at nucleotide position 5273. The serine at codon 1758 is replaced by phenylalanine, an amino acid with highly dissimilar properties. This amino acid position is conserved. In addition, in silico predictors for this gene do not accurately predict pathogenicity. Based on the available evidence, the clinical significance of this variant remains unclear.

Labcorp Genetics (formerly Invitae), Labcorp
Classification: Uncertain significance for Familial adenomatous polyposis 1. Last evaluated: 2022-11-23. Review status: criteria provided, single submitter. Criteria: Invitae Variant Classification Sherloc (09022015). Collection method: clinical testing. Allele origin: germline.
Comment: In summary, the available evidence is currently insufficient to determine the role of this variant in disease. Therefore, it has been classified as a Variant of Uncertain Significance. Advanced modeling of protein sequence and biophysical properties (such as structural, functional, and spatial information, amino acid conservation, physicochemical variation, residue mobility, and thermodynamic stability) performed at Invitae indicates that this missense variant is not expected to disrupt APC protein function. This variant has not been reported in the literature in individuals affected with APC-related conditions. This variant is not present in population databases (gnomAD no frequency). This sequence change replaces serine, which is neutral and polar, with phenylalanine, which is neutral and non-polar, at codon 1758 of the APC protein (p.Ser1758Phe).

NM_000038.6(APC):c.5273C>T (p.Ser1758Phe)

Gene: APC (APC regulator of Wnt signaling pathway; plus strand). Cytogenetic location: 5q22.2.
Variant type: single nucleotide variant.
Coding change: c.5273C>T on transcript NM_000038.6 (MANE Select); coding-DNA position 5273, C replaced by T.
Protein change: p.Ser1758Phe; replaces serine 1758 with phenylalanine.
Molecular consequence: missense variant. On other transcripts: non-coding transcript variant (2).
Genome position (GRCh38, 1-based): chr5:112,840,867, C>T. VCF-style: chr5-112840867-C-T. GRCh37 (hg19) VCF-style: chr5-112176564-C-T.
Other names: c.5273C>T (NM_000038.5); c.5273C>T, p.Ser1758Phe (NM_001127510.3, NM_001354895.2, NM_001407450.1); c.5219C>T, p.Ser1740Phe (NM_001127511.3); c.5327C>T, p.Ser1776Phe (NM_001354896.2, NM_001407447.1, NM_001407448.1 and 1 more transcripts); c.5303C>T, p.Ser1768Phe (NM_001354897.2); c.5198C>T, p.Ser1733Phe (NM_001354898.2); c.5189C>T, p.Ser1730Phe (NM_001354899.2); c.5150C>T, p.Ser1717Phe (NM_001354900.2); and 12 more; short protein forms S1374F, S1629F, S1675F, S1717F, S1786F, S1758F, S1632F, S1730F.
Identifiers: ClinVar variation 2874161 (VCV002874161.4), dbSNP rs2149936277, ClinGen allele CA16032859.